The following is an entry in ClinVar:

ClinVar aggregate classification (germline): Uncertain significance (1 of 4 stars; one submission).

Submission:

GeneDx
Classification: Uncertain significance. Last evaluated: 2025-07-15. Review status: criteria provided, single submitter. Criteria: GeneDx Variant Classification Process June 2021. Collection method: clinical testing. Allele origin: germline. Affected: yes.
Comment: Not observed at significant frequency in large population cohorts (gnomAD); In silico analysis suggests that this missense variant does not alter protein structure/function; Has not been previously published as pathogenic or benign to our knowledge

NM_016284.5(CNOT1):c.1492T>G (p.Leu498Val)

Gene: CNOT1 (CCR4-NOT transcription complex subunit 1; minus strand). Cytogenetic location: 16q21.
Variant type: single nucleotide variant.
Coding change: c.1492T>G on transcript NM_016284.5 (MANE Select); coding-DNA position 1492, T replaced by G.
Protein change: p.Leu498Val; replaces leucine 498 with valine.
Molecular consequence: missense variant. On other transcripts: non-coding transcript variant (1).
Genome position (GRCh38, 1-based): chr16:58,578,791, A>C on the plus strand (T>G on the coding strand, the complement: CNOT1 is on the minus strand). VCF-style: chr16-58578791-A-C. GRCh37 (hg19) VCF-style: chr16-58612695-A-C.
Other names: c.1492T>G, p.Leu498Val (NM_001265612.2, NM_206999.3); short protein forms L498V.
Identifiers: ClinVar variation 4686487 (VCV004686487.1).
Genomic context (GRCh38, chr16:58,578,791, plus strand): 5'-CTGAGTTAGGATGGTTTCCAAGGAAAATTGGCATCAGAGTGGAGATAAGTTCATGGCGCA[A>C]GGTATGCCAAGAGGTGTTAATTTGTAGTAAGGCCAATACCAGCATGTCTGGACAGTGTTT-3'
Protein context (NP_057368.3, residues 488-508): LLQINTSWHT[Leu498Val]RHELISTLMP